The following is an entry in ClinVar:

ClinVar aggregate classification (germline): Uncertain significance (1 of 4 stars; one submission).

Conditions:
Dyskeratosis congenita, autosomal dominant 1 (DKCA1). Also called: Dyskeratosis congenita Scoggins type. Identifiers: Orphanet 1775, MedGen C4551974, MONDO:0007485, OMIM 127550. Inheritance: Variable.

Submission:

Labcorp Genetics (formerly Invitae), Labcorp
Classification: Uncertain significance for Dyskeratosis congenita, autosomal dominant 1. Last evaluated: 2025-11-04. Review status: criteria provided, single submitter. Criteria: Invitae Variant Classification Sherloc (09022015). Collection method: clinical testing. Allele origin: germline.
Comment: This variant occurs in the TERC gene, which encodes an RNA molecule that does not result in a protein product. This variant is not present in population databases (gnomAD no frequency). This variant has not been reported in the literature in individuals affected with TERC-related conditions. ClinVar contains an entry for this variant (Variation ID: 1043360). This variant is located within the BoxH/ACA scaRNA domain of the TERC RNA component, which is required for telomerase activity (PMID: 21844345). In summary, the available evidence is currently insufficient to determine the role of this variant in disease. Therefore, it has been classified as a Variant of Uncertain Significance.

Literature cited by the submitters: PubMed 21844345.

NR_001566.3(TERC):n.446_449dup

Gene: TERC (telomerase RNA component; minus strand). Cytogenetic location: 3q26.2.
Variant type: Duplication.
Genome position: GRCh38 VCF-style: chr3-169764611-C-CATGT. GRCh37 (hg19) VCF-style: chr3-169482399-C-CATGT.
Identifiers: ClinVar variation 1043360 (VCV001043360.8), dbSNP rs1777956725, ClinGen allele CA1419636241.